The following is an entry in ClinVar:

NM_172107.4(KCNQ2):c.997C>T (p.Arg333Trp)

Gene: KCNQ2 (potassium voltage-gated channel subfamily Q member 2; minus strand). Cytogenetic location: 20q13.33.
Variant type: single nucleotide variant.
Coding change: c.997C>T on transcript NM_172107.4 (MANE Select); coding-DNA position 997, C replaced by T.
Protein change: p.Arg333Trp; replaces arginine 333 with tryptophan.
Molecular consequence: missense variant.
Genome position (GRCh38, 1-based): chr20:63,438,651, G>A on the plus strand (C>T on the coding strand, the complement: KCNQ2 is on the minus strand). VCF-style: chr20-63438651-G-A. GRCh37 (hg19) VCF-style: chr20-62070004-G-A.
Other names: p.R333W:CGG>TGG; NP_742105.1:p.(Arg333Trp); c.997C>T, p.Arg333Trp (NM_004518.6, NM_172106.3, NM_172108.5 and 1 more transcripts); c.997C>T (NM_172107.3); short protein forms R333W.
Identifiers: ClinVar variation 21809 (VCV000021809.24), dbSNP rs118192215, ClinGen allele CA315400.

ClinVar aggregate classification (germline): Pathogenic/Likely pathogenic. Review status: criteria provided, multiple submitters, no conflicts (2 of 4 stars). 11 submissions from 11 submitters: Pathogenic (7); Likely pathogenic (1). 3 of the submissions do not count toward it. Last evaluated 2026-01-19.

Conditions:
Early-infantile developmental and epileptic encephalopathy. Identifiers: MedGen C5781758.
Early-infantile DEE. Also called: Early infantile epileptic encephalopathy; Early infantile epileptic encephalopathy with suppression bursts; Ohtahara syndrome. Identifiers: Orphanet 1934, MedGen C0393706, MONDO:0800491.
Developmental and epileptic encephalopathy, 7 (DEE7). Also called: Early infantile epileptic encephalopathy 7; KCNQ2-Related Neonatal-Onset Developmental and Epileptic Encephalopathy (NEO-DEE); KCNQ2-Related Neonatal Epileptic Encephalopathy. Identifiers: Orphanet 439218, MedGen C3150986, MONDO:0013387, OMIM 613720.
Seizures, benign familial neonatal, 1. Also called: Seizures, benign neonatal, 1; KCNQ2-Related Self-Limited Familial Neonatal Epilepsy (SLFNE); KCNQ2-Related Benign Familial Neonatal Epilepsy; Benign Neonatal Epilepsy 1. Identifiers: Orphanet 1949, MedGen C3149074, MONDO:0007365, OMIM 121200.
KCNQ2-Related Disorders. Also called: KCNQ2-related condition; KCNQ2-related disorder. Identifiers: MedGen CN169299.
Seizure. Also called: Seizures. Identifiers: MedGen C0036572, HP:0001250.

Submissions (17):

Labcorp Genetics (formerly Invitae), Labcorp
Classification: Pathogenic for Early-infantile DEE. Last evaluated: 2026-01-19. Review status: criteria provided, single submitter. Criteria: Invitae Variant Classification Sherloc (09022015). Collection method: clinical testing. Allele origin: germline.
Comment: This sequence change replaces arginine, which is basic and polar, with tryptophan, which is neutral and slightly polar, at codon 333 of the KCNQ2 protein (p.Arg333Trp). This variant is not present in population databases (gnomAD no frequency). This missense change has been observed in individual(s) with neonatal seizures (PMID: 16039833, 23621294, 23692823). In at least one individual the variant was observed to be de novo. ClinVar contains an entry for this variant (Variation ID: 21809). Invitae Evidence Modeling of protein sequence and biophysical properties (such as structural, functional, and spatial information, amino acid conservation, physicochemical variation, residue mobility, and thermodynamic stability) indicates that this missense variant is expected to disrupt KCNQ2 protein function with a positive predictive value of 95%. For these reasons, this variant has been classified as Pathogenic.

3billion
Classification: Pathogenic for Developmental and epileptic encephalopathy, 7. Last evaluated: 2025-12-01. Review status: criteria provided, single submitter. Criteria: ACMG Guidelines, 2015. Collection method: clinical testing. Allele origin: germline. Affected: yes.
Comment: The variant is not observed in the gnomAD v4.1.0 dataset. Predicted Consequence/Location: The variant is located in a mutational hot spot and/or well-established functional domain in which established pathogenic variants have been reported. In silico tool predictions suggest damaging effect of the variant on gene or gene product [REVEL: 0.94 (>=0.6, sensitivity 0.68 and specificity 0.92); 3Cnet: 0.99 (> 0.75, sensitivity 0.96 and precision 0.92)]. The same nucleotide change resulting in the same amino acid change has been previously reported as pathogenic/likely pathogenic with strong evidence (ClinVar ID: VCV000021809 /PMID: 16039833). Different missense changes at the same codon (p.Arg333Gln, p.Arg333Leu) have been reported as pathogenic/likely pathogenic with strong evidence (ClinVar ID: VCV000021810, VCV002817426 /PMID: 14534157 /3billion dataset). Therefore, this variant is classified as Pathogenic according to the recommendation of ACMG/AMP guideline.

Variantyx, Inc.
Classification: Likely pathogenic for Developmental and epileptic encephalopathy, 7. Last evaluated: 2025-04-30. Review status: criteria provided, single submitter. Criteria: Variantyx Assertion Criteria 2022. Collection method: clinical testing. Allele origin: germline. Inheritance: Autosomal dominant inheritance. Affected: yes.
Comment: This is a nonsynonymous variant in the KCNQ2 gene. Pathogenic variants in this gene have been associated with autosomal dominant developmental and epileptic encephalopathy 7 (OMIM: 613720). This variant has been reported in at least two unrelated affected individuals (PMID: 39003674, 32593896) (PS4_Moderate). Functional studies have shown that this variant alters KCNQ2 protein function (PMID: 30008368) (PS3_Moderate), and multiple computational algorithms predict a deleterious effect for this variant (REVEL score: 0.937) (PP3). Moreover, alternate amino acid changes at this position (p.Arg333Leu, p.Arg333Gln) have been previously reported in similarly affected individuals, which suggests that this residue is biologically important (PMID: 14534157, 2921508) (PM5). This variant is absent from control populations (PM2). Based on the current evidence, this variant is classified as likely pathogenic for autosomal dominant developmental and epileptic encephalopathy 7.

Human Genetics Bochum, Ruhr University Bochum
Classification: Pathogenic for Seizures, benign familial neonatal, 1; Developmental and epileptic encephalopathy, 7. Last evaluated: 2025-04-10. Review status: criteria provided, single submitter. Criteria: ACMG Guidelines, 2015. Collection method: clinical testing. Allele origin: germline. Affected: yes.
Comment: de novo; ACMG criteria used to clasify this variant: PS3, PP3_STR, PM1, PM5, PM2_SUP, PP2, PS2

Cytogénomique, Hospices Civils de Lyon
Classification: Pathogenic for Seizure. Last evaluated: 2024-10-11. Review status: criteria provided, single submitter. Criteria: ACMG Guidelines, 2015. Collection method: clinical testing. Allele origin: de novo. Affected: yes.

GeneDx
Classification: Pathogenic. Last evaluated: 2024-09-09. Review status: criteria provided, single submitter. Criteria: GeneDx Variant Classification Process June 2021. Collection method: clinical testing. Allele origin: germline. Affected: yes.
Comment: Not observed at significant frequency in large population cohorts (gnomAD); In silico analysis supports that this missense variant has a deleterious effect on protein structure/function; This variant is associated with the following publications: (PMID: 23621294, 20437616, 32593896, 23692823, 16039833, 28135719, 28867141, 28191890, 30182498, 31069529, 35104249, 33811133, 31785789, 31440721, 38259611, 30008368, 27602407, 33057194, 35982159)

Unidad de Genómica Garrahan, Hospital de Pediatría Garrahan
Classification: Pathogenic for Early-infantile developmental and epileptic encephalopathy. Last evaluated: 2024-01-01. Review status: criteria provided, single submitter. Criteria: ACMG Guidelines, 2015. Collection method: clinical testing. Allele origin: germline. Affected: yes. Observed: 1 variant allele.
Comment: ACMG/AMP criteria applied: PS2_strong, PS3_supporting, PM1_moderate, PM2_supporting, PM5_moderate, PP2_supporting, PP3_moderate.

Rady Children's Institute for Genomic Medicine, Rady Children's Hospital San Diego
Classification: Pathogenic for KCNQ2-related disorders. Review status: criteria provided, single submitter. Criteria: ACMG Guidelines, 2015. Collection method: clinical testing. Allele origin: germline.
Comment: The c.997C>T (p.Arg333Trp) variant affects a highly conserved amino acid and is predicted by multiple in silico tools to have a deleterious effect on protein function. This variant has been previously reported as a de novo and heterozygous change in patients with early onset epileptic encephalopathies (PMID: 16039833, 23621294, 23692823, 30182498, 31440721, 32593896). The c.997C>T (p.Arg333Trp) variant is located in a mutational hotspot for pathogenic variations associated with KCNQ2-related disorders (PMID: 30008368). A different amino acid change at the same residue, KCNQ2 c.998G>A (p.Arg333Gln), has been previously reported in individuals with benign neonatal seizures (PMID: 14534157, 29215089, 31152295, 31832524, 33897753). Functional studies indicate that the p.Arg333Trp variant reduced axonal surface expression of potassium voltage-gated channels, reduced the sensitivity of the channels to phosphatidylinositol-4,5-bisphosphate (PIP2) stimulation, and disrupted the ability to inhibit excitability in hippocampal neurons (PMID: 30008368). The c.997C>T (p.Arg333Trp) variant is absent from the gnomAD population database and thus is presumed to be rare. Analysis of the parental samples was negative for the variant, indicating this variant likely occurred as a de novo event. Based on the available evidence, c.997C>T (p.Arg333Trp) is classified as Pathogenic.

Channelopathy-Associated Epilepsy Research Center
No classification provided (evidence only). Condition: Complex neurodevelopmental disorder. Review status: no classification provided. Collection method: literature only. Allele origin: not applicable. Functional consequence: Mild decrease in peak current, Normal rate of activation, Normal voltage dependence of activation. Not counted in ClinVar's aggregate classification.
ClinVar note: "not provided" was previously submitted as the classification for the variant. However, the classification appeared to be based only on an observation of functional data so it was converted to no classification on 2025-07-30.

Channelopathy-Associated Epilepsy Research Center
No classification provided (evidence only). Review status: no classification provided. Collection method: in vitro. Allele origin: not applicable. Functional consequence: Normal peak current. Not counted in ClinVar's aggregate classification.

Channelopathy-Associated Epilepsy Research Center
No classification provided (evidence only). Review status: no classification provided. Collection method: in vitro. Allele origin: not applicable. Functional consequence: Normal peak current. Not counted in ClinVar's aggregate classification.

Channelopathy-Associated Epilepsy Research Center
No classification provided (evidence only). Review status: no classification provided. Collection method: in vitro. Allele origin: not applicable. Functional consequence: Normal voltage dependence of activation. Not counted in ClinVar's aggregate classification.

Channelopathy-Associated Epilepsy Research Center
No classification provided (evidence only). Review status: no classification provided. Collection method: in vitro. Allele origin: not applicable. Functional consequence: Normal slope of activation. Not counted in ClinVar's aggregate classification.

Channelopathy-Associated Epilepsy Research Center
No classification provided (evidence only). Review status: no classification provided. Collection method: in vitro. Allele origin: not applicable. Functional consequence: Normal rate of activation. Not counted in ClinVar's aggregate classification.

GeneReviews
No classification provided. Condition: Developmental and epileptic encephalopathy, 7. Review status: no classification provided. Collection method: literature only. Allele origin: germline. Affected: yes. Not counted in ClinVar's aggregate classification.
Comment: EE (epileptic encephalopathy)

Genome Diagnostics Laboratory, University Medical Center Utrecht
Classification: Pathogenic. Review status: no assertion criteria provided. Collection method: clinical testing. Allele origin: germline. Affected: yes. Study: VKGL Data-share Consensus. Not counted in ClinVar's aggregate classification.

Joint Genome Diagnostic Labs from Nijmegen and Maastricht, Radboudumc and MUMC+
Classification: Pathogenic. Review status: no assertion criteria provided. Collection method: clinical testing. Allele origin: germline. Affected: yes. Study: VKGL Data-share Consensus. Not counted in ClinVar's aggregate classification.

Literature cited by the submitters: PubMed 16039833 (cited by 5 submitters); PubMed 23621294 (cited by 3 submitters); PubMed 23692823 (cited by 4 submitters); PubMed 14534157 (cited by 3billion and Variantyx, Inc.); PubMed 2921508 (cited by Variantyx, Inc.); PubMed 30008368 (cited by Variantyx, Inc.); PubMed 39003674 (cited by Variantyx, Inc.); PubMed 32593896 (cited by Variantyx, Inc.); PubMed 35104249 (cited by Channelopathy-Associated Epilepsy Research Center); NCBI Bookshelf NBK32534 (cited by GeneReviews).